The following is an entry in ClinVar:

NM_000059.4(BRCA2):c.8283T>C (p.Ser2761=)

Gene: BRCA2 (BRCA2 DNA repair associated; plus strand). Cytogenetic location: 13q13.1.
Variant type: single nucleotide variant.
Coding change: c.8283T>C on transcript NM_000059.4 (MANE Select); coding-DNA position 8283, T replaced by C.
Protein change: p.Ser2761=; no amino-acid change (serine 2761 retained).
Molecular consequence: synonymous variant.
Genome position (GRCh38, 1-based): chr13:32,363,485, T>C. VCF-style: chr13-32363485-T-C. GRCh37 (hg19) VCF-style: chr13-32937622-T-C.
Identifiers: ClinVar variation 391005 (VCV000391005.15), dbSNP rs776062931, ClinGen allele CA6941204.
Genomic context (GRCh38, chr13:32,363,485, plus strand): 5'-GAATGGCAGACTGACAGTTGGTCAGAAGATTATTCTTCATGGAGCAGAACTGGTGGGCTC[T>C]CCTGATGCCTGTACACCTCTTGAAGCCCCAGAATCTCTTATGTTAAAGGTAAATTAATTT-3'
Protein context (NP_000050.3, residues 2751-2771): IILHGAELVG[Ser2761=]PDACTPLEAP

ClinVar aggregate classification (germline): Likely benign. Review status: reviewed by expert panel (3 of 4 stars). 4 submissions from 4 submitters: Likely benign (1). 3 of the submissions do not count toward it. Last evaluated 2017-06-29.

Conditions:
Hereditary cancer-predisposing syndrome. Also called: Neoplastic Syndromes, Hereditary; Hereditary neoplastic syndrome; Tumor predisposition; Hereditary Cancer Syndrome. Identifiers: Orphanet 140162, MedGen C0027672, MeSH D009386, MONDO:0015356.
Breast-ovarian cancer, familial, susceptibility to, 2 (BROVCA2). Also called: BRCA2 Hereditary Breast and Ovarian Cancer. Identifiers: Orphanet 145, MedGen C2675520, MONDO:0012933, OMIM 612555. Disease mechanism: loss of function.
Hereditary breast ovarian cancer syndrome. Also called: Hereditary breast and ovarian cancer; Breast and ovarian cancer; BRCA1- and BRCA2-Associated Hereditary Breast and Ovarian Cancer; Hereditary breast and ovarian cancer syndrome (HBOC); Hereditary breast and/or ovarian cancer syndrome; Hereditary breast and ovarian cancer syndrome. Identifiers: Orphanet 145, MedGen C0677776, MeSH D061325, MONDO:0003582. Disease mechanism: loss of function.

Allele frequency attached by ClinVar (database versions not stated): gnomAD exomes below 0.00001; ExAC 0.00001.
gnomAD v4.1: 1 of 1,614,152 alleles (0.000062%); highest among the groups gnomAD compares: Non-Finnish European, 0.000085%; no homozygotes.

Submissions (4):

Evidence-based Network for the Interpretation of Germline Mutant Alleles (ENIGMA)
Classification: Likely benign for Breast-ovarian cancer, familial, susceptibility to, 2. Last evaluated: 2017-06-29. Review status: reviewed by expert panel. Criteria: ENIGMA BRCA1/2 Classification Criteria (2017-06-29). Collection method: curation. Allele origin: germline.
Comment: Synonymous substitution variant, with low bioinformatic likelihood to result in a splicing aberration (Splicing prior probability 0.02).

Labcorp Genetics (formerly Invitae), Labcorp
Classification: Likely benign for Hereditary breast ovarian cancer syndrome. Last evaluated: 2025-02-09. Review status: criteria provided, single submitter. Criteria: Invitae Variant Classification Sherloc (09022015). Collection method: clinical testing. Allele origin: germline. Not counted in ClinVar's aggregate classification.

GeneDx
Classification: Likely benign. Last evaluated: 2016-11-10. Review status: criteria provided, single submitter. Criteria: GeneDx Variant Classification (06012015). Collection method: clinical testing. Allele origin: germline. Affected: yes. Not counted in ClinVar's aggregate classification.
Comment: This variant is considered likely benign or benign based on one or more of the following criteria: it is a conservative change, it occurs at a poorly conserved position in the protein, it is predicted to be benign by multiple in silico algorithms, and/or has population frequency not consistent with disease.

Ambry Genetics
Classification: Likely benign for Hereditary cancer-predisposing syndrome. Last evaluated: 2015-12-04. Review status: criteria provided, single submitter. Criteria: Ambry Variant Classification Scheme 2023. Collection method: clinical testing. Allele origin: germline. Not counted in ClinVar's aggregate classification.